The following is an entry in ClinVar:

NM_001009944.3(PKD1):c.6752_6754del (p.Val2251del)

Gene: PKD1 (polycystin 1, transient receptor potential channel interacting; minus strand). Cytogenetic location: 16p13.3.
Variant type: Deletion.
Coding change: c.6752_6754del on transcript NM_001009944.3 (MANE Select); coding-DNA positions 6752 to 6754, 3 bases deleted (TGG; older notation c.6752_6754delTGG).
Protein change: p.Val2251del; deletes valine 2251.
Molecular consequence: inframe deletion.
Genome position (GRCh38, 1-based): chr16:2,108,413-2,108,415, CCA deleted on the plus strand (TGG on the coding strand, the reverse complement: PKD1 is on the minus strand); deleting any 3 consecutive bases within chr16:2,108,413-2,108,417 gives the same sequence; the c. name uses the placement nearest the transcript's 3' end. VCF-style (leftmost placement, unchanged base first): chr16-2108412-GCCA-G. GRCh37 (hg19) VCF-style: chr16-2158413-GCCA-G.
Other names: c.6752_6754delTGG (NM_001009944.2, NM_000296.3, NM_001009944.3); c.6752_6754del, p.Val2251del (NM_000296.4); short protein forms V2251del.
Identifiers: ClinVar variation 636697 (VCV000636697.13), dbSNP rs1596550396, ClinGen allele CA915949003.

ClinVar aggregate classification (germline): Conflicting classifications of pathogenicity. Review status: criteria provided, conflicting classifications (1 of 4 stars). 9 submissions from 9 submitters: Likely pathogenic (4); Uncertain significance (3). 2 of the submissions do not count toward it. Last evaluated 2026-02-26.

Conditions:
Polycystic kidney disease, adult type (PKD1). Also called: POLYCYSTIC KIDNEY DISEASE, ADULT, TYPE I; Polycystic Kidney, Autosomal Dominant; POLYCYSTIC KIDNEY DISEASE 1 WITH OR WITHOUT POLYCYSTIC LIVER DISEASE; Polycystic Kidney Disease 1, Autosomal Dominant; Polycystic kidney disease 1; Polycystic kidney disease 1, severe. Identifiers: MedGen C3149841, MONDO:0008263, OMIM 173900.
PKD1-related disorder. Also called: PKD1-related condition.
Inborn genetic diseases. Identifiers: MedGen C0950123, MeSH D030342.

Submissions (9):

PreventionGenetics, part of Exact Sciences
Classification: Likely pathogenic for PKD1-related condition. Last evaluated: 2026-02-26. Review status: criteria provided, single submitter. Criteria: ACMG Guidelines, 2015. Collection method: clinical testing. Allele origin: germline.
Comment: The PKD1 c.6752_6754delTGG variant is predicted to result in an in-frame deletion (p.Val2251del). This variant is predicted to delete the valine amino acid at position 2251 and has been reported in four unrelated individuals with autosomal dominant polycystic kidney disease 1 (Table S4, Carrera et al. 2016. PubMed ID: 27499327; Skalická et al. 2017. PubMed ID: 29687770; Table S6, Kim et al. 2019. PubMed ID: 31740684; Table 1, Li et al. 2022. PubMed ID: 34739738). This variant has not been reported in a large population database (gnomad), indicating this variant is rare, and has conflicting classifications in ClinVar ranging from uncertain to likely pathogenic (Variation ID: 636697). This variant is interpreted as likely pathogenic.

Women's Health and Genetics/Laboratory Corporation of America, LabCorp
Classification: Uncertain significance. Last evaluated: 2025-10-09. Review status: criteria provided, single submitter. Criteria: LabCorp Variant Classification Summary - May 2015. Collection method: clinical testing. Allele origin: germline.
Comment: Variant summary: PKD1 c.6752_6754delTGG (p.Val2251del) results in an in-frame deletion that is predicted to remove one amino acid from the encoded protein. The variant was absent in 248540 control chromosomes (gnomAD). c.6752_6754delTGG has been observed in individuals affected with Polycystic Kidney Disease 1 (e.g., Carrera_2016, Skalicka_2017, Kim_2019, Li_2022). These data indicate that the variant may be associated with disease. To our knowledge, no experimental evidence demonstrating an impact on protein function has been reported. The following publications have been ascertained in the context of this evaluation (PMID: 27499327, 31740684, 34739738, 29687770). ClinVar contains an entry for this variant (Variation ID: 636697). Based on the evidence outlined above, the variant was classified as VUS-possibly pathogenic.

GeneDx
Classification: Uncertain significance. Last evaluated: 2024-06-18. Review status: criteria provided, single submitter. Criteria: GeneDx Variant Classification Process June 2021. Collection method: clinical testing. Allele origin: germline. Affected: yes.
Comment: In-frame deletion of 1 amino acids in a non-repeat region; Not observed at significant frequency in large population cohorts (gnomAD); In silico analysis indicates that this variant does not alter protein structure/function; This variant is associated with the following publications: (PMID: 34739738, 31740684, 27499327, 29687770)

Fulgent Genetics
Classification: Likely pathogenic for Polycystic kidney disease, adult type. Last evaluated: 2024-03-05. Review status: criteria provided, single submitter. Criteria: ACMG Guidelines, 2015. Collection method: clinical testing. Allele origin: germline.

Ambry Genetics
Classification: Uncertain significance for Inborn genetic diseases. Last evaluated: 2023-04-14. Review status: criteria provided, single submitter. Criteria: Ambry Variant Classification Scheme 2023. Collection method: clinical testing. Allele origin: germline.
Comment: The c.6752_6754delTGG (p.V2251del) alteration is located in exon 15 (coding exon 15) of the PKD1 gene. This alteration consists of an in-frame deletion of 3 nucleotides between nucleotide positions c.6752 and c.6754, resulting in the deletion of <NA> residues. This alteration is predicted to be deleterious by in silico analysis (Choi, 2012). Based on insufficient or conflicting evidence, the clinical significance of this alteration remains unclear.

Blueprint Genetics
Classification: Likely pathogenic for PKD1-related disorders. Last evaluated: 2018-07-02. Review status: criteria provided, single submitter. Criteria: ACMG Guidelines, 2015. Collection method: clinical testing. Allele origin: germline. Affected: yes. Observed: 1 variant allele.

Clinical Genetics Service, Universitary Hospital 12 de Octubre
Classification: Likely pathogenic for Polycystic kidney disease, adult type. Review status: criteria provided, single submitter. Criteria: ACMG Guidelines, 2015. Collection method: clinical testing. Allele origin: germline. Affected: yes.

Zotz-Klimas Genetics Lab, MVZ Zotz Klimas
Classification: Uncertain significance for Polycystic kidney disease, adult type. Last evaluated: 2023-10-09. Review status: no assertion criteria provided. Collection method: clinical testing. Allele origin: germline. Affected: yes. Not counted in ClinVar's aggregate classification.

Genetic Services Laboratory, University of Chicago
Classification: Likely pathogenic. Last evaluated: 2022-02-28. Review status: no assertion criteria provided. Collection method: clinical testing. Allele origin: germline. Affected: yes. Not counted in ClinVar's aggregate classification.
Comment: DNA sequence analysis of the PKD1 gene demonstrated a three base pair deletion in exon 15, c.6752_6754del. This in-frame deletion is predicted to result in the deletion of a single amino acid residue, p.Val2251del. This deletion has been previously described in individuals with polycystic kidney disease (PMID: 31740684, 27499327). The c.6752_6754del sequence change has not been described in the population databases such as ExAC and gnomAD. This sequence change is the likely cause of this individual's phenotype, however functional studies have not been performed to prove this conclusively.

Literature cited by the submitters: PubMed 27499327 (cited by Women's Health and Genetics/Laboratory Corporation of America, LabCorp and Ambry Genetics); PubMed 31740684 (cited by Women's Health and Genetics/Laboratory Corporation of America, LabCorp and Ambry Genetics); PubMed 34739738 (cited by Women's Health and Genetics/Laboratory Corporation of America, LabCorp); PubMed 29687770 (cited by Women's Health and Genetics/Laboratory Corporation of America, LabCorp and Ambry Genetics).